The following is an entry in ClinVar:

NM_005215.4(DCC):c.2266C>T (p.Arg756Ter)

Gene: DCC (DCC netrin 1 receptor; plus strand). Cytogenetic location: 18q21.2.
Variant type: single nucleotide variant.
Coding change: c.2266C>T on transcript NM_005215.4 (MANE Select); coding-DNA position 2266, C replaced by T.
Protein change: p.Arg756Ter; replaces arginine 756 with a stop codon.
Molecular consequence: nonsense.
Genome position (GRCh38, 1-based): chr18:53,339,814, C>T. VCF-style: chr18-53339814-C-T. GRCh37 (hg19) VCF-style: chr18-50866184-C-T.
Other names: short protein forms R756*.
Identifiers: ClinVar variation 1676259 (VCV001676259.2), dbSNP rs764481922, ClinGen allele CA402469444.

ClinVar aggregate classification (germline): Pathogenic (1 of 4 stars; one submission).

Conditions:
Mirror movements 1 (MRMV1). Identifiers: Orphanet 238722, MedGen C1834870, OMIM 157600, MONDO:0008002.

Allele frequency attached by ClinVar (database versions not stated): TOPMed below 0.00001.
gnomAD v4.1: 3 of 1,613,800 alleles (0.00019%); highest among the groups gnomAD compares: African/African-American, 0.0013%; no homozygotes.

Submission:

Molecular Genetics, Royal Melbourne Hospital
Classification: Pathogenic. Last evaluated: 2021-09-21. Review status: criteria provided, single submitter. Criteria: ACMG Guidelines, 2015. Collection method: clinical testing. Allele origin: germline. Affected: yes.
Comment: This sequence change creates a premature termination codon at position 756 in exon 15 (of 29) of DCC (p.(Arg756*)). It is expected to result in nonsense mediated decay in a gene where loss of function is the mechanism of disease (ClinVar). Based on the classification scheme RMH Modified ACMG Guidelines v1.4.0, this variant is classified as PATHOGENIC. Following criteria are met: PVS1, PS4_Supporting, PM2_Supporting.